The following is an entry in ClinVar:

NM_001349253.2(SCN11A):c.290A>T (p.Lys97Met)

Gene: SCN11A (sodium voltage-gated channel alpha subunit 11; minus strand). Cytogenetic location: 3p22.2.
Variant type: single nucleotide variant.
Coding change: c.290A>T on transcript NM_001349253.2 (MANE Select); coding-DNA position 290, A replaced by T.
Protein change: p.Lys97Met; replaces lysine 97 with methionine.
Molecular consequence: missense variant.
Genome position (GRCh38, 1-based): chr3:38,946,885, T>A on the plus strand (A>T on the coding strand, the complement: SCN11A is on the minus strand). VCF-style: chr3-38946885-T-A. GRCh37 (hg19) VCF-style: chr3-38988376-T-A.
Other names: c.290A>T, p.Lys97Met (NM_014139.3); short protein forms K97M.
Identifiers: ClinVar variation 4788489 (VCV004788489.1).
Genomic context (GRCh38, chr3:38,946,885, plus strand): 5'-GAATTGAAAGGCCCAAAAATGAACAAGGCATGCTTGGCACTGAAGCGGTAGATTGTCCTC[T>A]TTCTGTTTAACACCATAAATGTCTGCAAAACAAAAAAAACAATACAAGAAAACACACACA-3'
Protein context (NP_001336182.1, residues 87-107): NHKTFMVLNR[Lys97Met]RTIYRFSAKH

ClinVar aggregate classification (germline): Uncertain significance (1 of 4 stars; one submission).

Conditions:
Familial episodic pain syndrome with predominantly lower limb involvement. Also called: Episodic pain syndrome, familial, 3. Identifiers: Orphanet 391384, Orphanet 391392, MedGen C3809899, MONDO:0014247, OMIM 615552.
Hereditary sensory and autonomic neuropathy type 7. Also called: HSAN VII; Neuropathy, hereditary sensory and autonomic, type VII. Identifiers: Orphanet 391397, MedGen C3809882, MONDO:0014244, OMIM 615548.

gnomAD v4.1: 13 of 1,612,418 alleles (0.00081%); highest among the groups gnomAD compares: Non-Finnish European, 0.0011%; no homozygotes.

Submission:

Labcorp Genetics (formerly Invitae), Labcorp
Classification: Uncertain significance for Familial episodic pain syndrome with predominantly lower limb involvement; Hereditary sensory and autonomic neuropathy type 7. Last evaluated: 2025-10-28. Review status: criteria provided, single submitter. Criteria: Invitae Variant Classification Sherloc (09022015). Collection method: clinical testing. Allele origin: germline.
Comment: This sequence change replaces lysine, which is basic and polar, with methionine, which is neutral and non-polar, at codon 97 of the SCN11A protein (p.Lys97Met). This variant is present in population databases (rs147731689, gnomAD 0.0009%). This variant has not been reported in the literature in individuals affected with SCN11A-related conditions. Invitae Evidence Modeling of protein sequence and biophysical properties (such as structural, functional, and spatial information, amino acid conservation, physicochemical variation, residue mobility, and thermodynamic stability) indicates that this missense variant is expected to disrupt SCN11A protein function with a positive predictive value of 80%. In summary, the available evidence is currently insufficient to determine the role of this variant in disease. Therefore, it has been classified as a Variant of Uncertain Significance.